The following is an entry in ClinVar:

NM_173630.4(RTTN):c.3092A>C (p.His1031Pro)

Gene: RTTN (rotatin; minus strand). Cytogenetic location: 18q22.2.
Variant type: single nucleotide variant.
Coding change: c.3092A>C on transcript NM_173630.4 (MANE Select); coding-DNA position 3092, A replaced by C.
Protein change: p.His1031Pro; replaces histidine 1031 with proline.
Molecular consequence: missense variant.
Genome position (GRCh38, 1-based): chr18:70,128,409, T>G on the plus strand (A>C on the coding strand, the complement: RTTN is on the minus strand). VCF-style: chr18-70128409-T-G. GRCh37 (hg19) VCF-style: chr18-67795645-T-G.
Other names: c.356A>C, p.His119Pro (NM_001318520.2); short protein forms H1031P, H119P.
Identifiers: ClinVar variation 3712541 (VCV003712541.1).

ClinVar aggregate classification (germline): Uncertain significance (1 of 4 stars; one submission).

gnomAD v4.1: 140 of 1,613,108 alleles (0.0087%); highest among the groups gnomAD compares: Non-Finnish European, 0.011%; no homozygotes.

Submission:

Labcorp Genetics (formerly Invitae), Labcorp
Classification: Uncertain significance. Last evaluated: 2024-03-15. Review status: criteria provided, single submitter. Criteria: Invitae Variant Classification Sherloc (09022015). Collection method: clinical testing. Allele origin: germline.
Comment: This sequence change replaces histidine, which is basic and polar, with proline, which is neutral and non-polar, at codon 1031 of the RTTN protein (p.His1031Pro). This variant is present in population databases (rs753007867, gnomAD 0.004%). This variant has not been reported in the literature in individuals affected with RTTN-related conditions. Advanced modeling of protein sequence and biophysical properties (such as structural, functional, and spatial information, amino acid conservation, physicochemical variation, residue mobility, and thermodynamic stability) has been performed at Invitae for this missense variant, however the output from this modeling did not meet the statistical confidence thresholds required to predict the impact of this variant on RTTN protein function. In summary, the available evidence is currently insufficient to determine the role of this variant in disease. Therefore, it has been classified as a Variant of Uncertain Significance.